The following is an entry in ClinVar:

ClinVar aggregate classification (germline): Uncertain significance (1 of 4 stars; one submission).

gnomAD v4.1: 1 of 1,537,008 alleles (0.000065%); highest among the groups gnomAD compares: South Asian, 0.0012%; no homozygotes.

Submission:

Labcorp Genetics (formerly Invitae), Labcorp
Classification: Uncertain significance. Last evaluated: 2022-06-13. Review status: criteria provided, single submitter. Criteria: Invitae Variant Classification Sherloc (09022015). Collection method: clinical testing. Allele origin: germline.
Comment: In summary, the available evidence is currently insufficient to determine the role of this variant in disease. Therefore, it has been classified as a Variant of Uncertain Significance. Algorithms developed to predict the effect of sequence changes on RNA splicing suggest that this variant may disrupt the consensus splice site. ClinVar contains an entry for this variant (Variation ID: 1011590). This variant has not been reported in the literature in individuals affected with CAPN5-related conditions. This variant is not present in population databases (gnomAD no frequency). This sequence change affects a donor splice site in intron 11 of the CAPN5 gene. It is expected to disrupt RNA splicing. Variants that disrupt the donor or acceptor splice site typically lead to a loss of protein function (PMID: 16199547), however the current clinical and genetic evidence is not sufficient to establish whether loss-of-function variants in CAPN5 cause disease.

Literature cited by the submitters: PubMed 16199547.

NM_004055.5(CAPN5):c.1603+1G>A

Gene: CAPN5 (calpain 5; plus strand). Cytogenetic location: 11q13.5.
Variant type: single nucleotide variant.
Coding change: c.1603+1G>A on transcript NM_004055.5 (MANE Select); the canonical splice donor site of the intron after coding-DNA position 1603, G replaced by A.
Molecular consequence: splice donor variant.
Genome position (GRCh38, 1-based): chr11:77,122,050, G>A. VCF-style: chr11-77122050-G-A. GRCh37 (hg19) VCF-style: chr11-76833096-G-A.
Identifiers: ClinVar variation 1011590 (VCV001011590.9), dbSNP rs994439885, ClinGen allele CA224831337.
Genomic context (GRCh38, chr11:77,122,050, plus strand): 5'-CCCAGCTGGTGACCCAGGTACATGTCCTGGGAGCTGCTGGCCTCAAGGACTCCCCAACAG[G>A]TGAGCTCTCCCAGGGAGAGTCCCCCGGCCCTCCTGCCAGTTGTCCCATGGCCTCTCTCCA-3'